The following is an entry in ClinVar:

NM_152594.3(SPRED1):c.1109T>C (p.Leu370Pro)

Gene: SPRED1 (sprouty related EVH1 domain containing 1; plus strand). Cytogenetic location: 15q14.
Variant type: single nucleotide variant.
Coding change: c.1109T>C on transcript NM_152594.3 (MANE Select); coding-DNA position 1109, T replaced by C.
Protein change: p.Leu370Pro; replaces leucine 370 with proline.
Molecular consequence: missense variant.
Genome position (GRCh38, 1-based): chr15:38,351,438, T>C. VCF-style: chr15-38351438-T-C. GRCh37 (hg19) VCF-style: chr15-38643639-T-C.
Other names: c.1109T>C (NM_152594.2); short protein forms L370P.
Identifiers: ClinVar variation 1388790 (VCV001388790.7), dbSNP rs2141016541, ClinGen allele CA391934170.

ClinVar aggregate classification (germline): Uncertain significance. Review status: criteria provided, multiple submitters, no conflicts (2 of 4 stars). 2 submissions from 2 submitters: Uncertain significance (2). Last evaluated 2025-06-09.

Conditions:
Cardiovascular phenotype. Identifiers: MedGen CN230736.
Legius syndrome. Identifiers: Orphanet 137605, MedGen C1969623, MONDO:0012669, OMIM 611431. Disease mechanism: loss of function.

Submissions (2):

Ambry Genetics
Classification: Uncertain significance for Cardiovascular phenotype. Last evaluated: 2025-06-09. Review status: criteria provided, single submitter. Criteria: Ambry Variant Classification Scheme 2023. Collection method: clinical testing. Allele origin: germline.
Comment: The p.L370P variant (also known as c.1109T>C), located in coding exon 7 of the SPRED1 gene, results from a T to C substitution at nucleotide position 1109. The leucine at codon 370 is replaced by proline, an amino acid with similar properties. This amino acid position is conserved. In addition, this alteration is predicted to be deleterious by in silico analysis. Based on the available evidence, the clinical significance of this variant remains unclear.

Labcorp Genetics (formerly Invitae), Labcorp
Classification: Uncertain significance for Legius syndrome. Last evaluated: 2021-10-23. Review status: criteria provided, single submitter. Criteria: Invitae Variant Classification Sherloc (09022015). Collection method: clinical testing. Allele origin: germline.
Comment: This sequence change replaces leucine with proline at codon 370 of the SPRED1 protein (p.Leu370Pro). The leucine residue is highly conserved and there is a moderate physicochemical difference between leucine and proline. This variant is not present in population databases (ExAC no frequency). This variant has not been reported in the literature in individuals affected with SPRED1-related conditions. Algorithms developed to predict the effect of missense changes on protein structure and function are either unavailable or do not agree on the potential impact of this missense change (SIFT: "Tolerated"; PolyPhen-2: "Probably Damaging"; Align-GVGD: "Class C0"). In summary, the available evidence is currently insufficient to determine the role of this variant in disease. Therefore, it has been classified as a Variant of Uncertain Significance.